The following is an entry in ClinVar:

ClinVar aggregate classification (germline): Uncertain significance. Review status: criteria provided, multiple submitters, no conflicts (2 of 4 stars). 3 submissions from 3 submitters: Uncertain significance (3). Last evaluated 2025-08-22.

Conditions:
Methylmalonic acidemia due to transcobalamin receptor defect (MATR). Also called: METHYLMALONIC ACIDURIA, TRANSIENT, DUE TO TRANSCOBALAMIN RECEPTOR DEFECT; METHYLMALONIC ACIDEMIA, TCblR TYPE. Identifiers: Orphanet 280183, MedGen C4749905, MONDO:0013341, OMIM 613646.

Allele frequency attached by ClinVar (database versions not stated): 1000 Genomes Project 0.00020; gnomAD exomes 0.00003; ExAC 0.00004; ESP Exome Variant Server 0.00008; 1000 Genomes Project 30x 0.00016; TOPMed 0.00004; gnomAD 0.00006.
gnomAD v4.1: 105 of 1,613,962 alleles (0.0065%); highest among the groups gnomAD compares: Non-Finnish European, 0.0069%; no homozygotes.

Submissions (3):

Ambry Genetics
Classification: Uncertain significance. Last evaluated: 2025-08-22. Review status: criteria provided, single submitter. Criteria: Ambry Variant Classification Scheme 2023. Collection method: clinical testing. Allele origin: germline.

Labcorp Genetics (formerly Invitae), Labcorp
Classification: Uncertain significance for Methylmalonic acidemia due to transcobalamin receptor defect. Last evaluated: 2024-06-03. Review status: criteria provided, single submitter. Criteria: Invitae Variant Classification Sherloc (09022015). Collection method: clinical testing. Allele origin: germline.
Comment: This sequence change replaces arginine, which is basic and polar, with glutamine, which is neutral and polar, at codon 254 of the CD320 protein (p.Arg254Gln). This variant is present in population databases (rs369347295, gnomAD 0.006%). This variant has not been reported in the literature in individuals affected with CD320-related conditions. ClinVar contains an entry for this variant (Variation ID: 426458). An algorithm developed to predict the effect of missense changes on protein structure and function (PolyPhen-2) suggests that this variant is likely to be disruptive. In summary, the available evidence is currently insufficient to determine the role of this variant in disease. Therefore, it has been classified as a Variant of Uncertain Significance.

GeneDx
Classification: Uncertain significance. Last evaluated: 2017-04-15. Review status: criteria provided, single submitter. Criteria: GeneDx Variant Classification (06012015). Collection method: clinical testing. Allele origin: germline. Affected: yes.
Comment: A variant of uncertain significance has been identified in the CD320 gene. The R254Q variant has not been published as a pathogenic variant, nor has it been reported as a benign variant to our knowledge. The R254Q variant is a semi-conservative amino acid substitution, which may impact secondary protein structure as these residues differ in some properties. This substitution occurs at a position that is not conserved. In silico analysis is inconsistent in its predictions as to whether or not the variant is damaging to the protein structure/function. In summary, based on the currently available information, it is unclear whether this variant is a pathogenic variant or a rare benign variant.

NM_016579.4(CD320):c.761G>A (p.Arg254Gln)

Gene: CD320 (CD320 molecule; minus strand). Cytogenetic location: 19p13.2.
Variant type: single nucleotide variant.
Coding change: c.761G>A on transcript NM_016579.4 (MANE Select); coding-DNA position 761, G replaced by A.
Protein change: p.Arg254Gln; replaces arginine 254 with glutamine.
Molecular consequence: missense variant.
Genome position (GRCh38, 1-based): chr19:8,302,551, C>T on the plus strand (G>A on the coding strand, the complement: CD320 is on the minus strand). VCF-style: chr19-8302551-C-T. GRCh37 (hg19) VCF-style: chr19-8367435-C-T.
Other names: c.635G>A, p.Arg212Gln (NM_001165895.2); short protein forms R254Q, R212Q.
Identifiers: ClinVar variation 426458 (VCV000426458.11), dbSNP rs369347295, ClinGen allele CA9154616.
Genomic context (GRCh38, chr19:8,302,551, plus strand): 5'-AGCAGCAGGGACTCCTTCATGGCCACCAGTAACCCCAGTGGGCGGAGGCGCTCCTGGGCT[C>T]GGAGCCAGGACAAAAGGAGGAGGGTGGCGGTGACCAGGCTTGCACTGAGCACCGCTGTGG-3'
Protein context (NP_057663.1, residues 244-264): TATLLLLSWL[Arg254Gln]AQERLRPLGL